The following is an entry in ClinVar:

NM_004993.6(ATXN3):c.892CAG[13] (p.Gln305_Gly306insGlnGlnGlnGlnGln)

Genes: ATXN3 (ataxin 3; minus strand), LOC108663987 (ataxin 3 repeat instability region; plus strand). Cytogenetic location: 14q32.12.
Variant type: Microsatellite.
Coding change: c.892CAG[13] on transcript NM_004993.6 (MANE Select); 13 copies in a row of the 3-base unit CAG starting at c.892; the reference has eight copies in a row; five copies, 15 bases duplicated.
Protein change: p.Gln305_Gly306insGlnGlnGlnGlnGln.
Molecular consequence: inframe insertion. On other transcripts: inframe indel (2), non-coding transcript variant (21).
Genome position (GRCh38, 1-based): chr14:92,071,011-92,071,025, CTGCTGCTGCTGCTG duplicated on the plus strand (CAGCAGCAGCAGCAG on the coding strand, the reverse complement: ATXN3 is on the minus strand); duplicating any 15 consecutive bases within chr14:92,071,011-92,071,034 gives the same sequence; the position shown is the placement nearest the transcript's 3' end. VCF-style (leftmost placement, unchanged base first): chr14-92071010-C-CCTGCTGCTGCTGCTG. GRCh37 (hg19) VCF-style: chr14-92537354-C-CCTGCTGCTGCTGCTG.
Other names: c.847CAG[13], p.Gln290_Gly291insGlnGlnGlnGlnGln (NM_001127696.2); c.739CAG[13], p.Gln254_Gly255insGlnGlnGlnGlnGln (NM_001127697.3); c.209CAG[13], p.Ala77_Gly78insAlaAlaAlaAlaAla (NM_001164774.2); c.169_171CAG[13], p.Gln64_Gly65insGlnGlnGlnGlnGln (NM_001164775.1); c.254CAG[13], p.Ala92_Gly93insAlaAlaAlaAlaAla (NM_001164776.2); c.89CAG[13], p.Ala37_Gly38insAlaAlaAlaAlaAla (NM_001164777.2); c.407CAG[13], p.Ala143_Gly144insAlaAlaAlaAlaAla (NM_001164778.2); c.529CAG[13], p.Gln184_Gly185insGlnGlnGlnGlnGln (NM_001164779.2); and 5 more.
Identifiers: ClinVar variation 2644469 (VCV002644469.24), dbSNP rs193922928, ClinGen allele CA265623235.

ClinVar aggregate classification (germline): Likely benign (1 of 4 stars; one submission).

Submission:

CeGaT Center for Human Genetics Tuebingen
Classification: Likely benign. Last evaluated: 2026-07-01. Review status: criteria provided, single submitter. Criteria: CeGaT Center For Human Genetics Tuebingen Variant Classification Criteria Version 2. Collection method: clinical testing. Allele origin: germline. Affected: yes. Observed: 5 variant alleles.
Comment: ATXN3: BS1